The following is an entry in ClinVar:

NM_005902.4(SMAD3):c.455C>A (p.Pro152Gln)

Gene: SMAD3 (SMAD family member 3; plus strand). Cytogenetic location: 15q22.33.
Variant type: single nucleotide variant.
Coding change: c.455C>A on transcript NM_005902.4 (MANE Select); coding-DNA position 455, C replaced by A.
Protein change: p.Pro152Gln; replaces proline 152 with glutamine.
Molecular consequence: missense variant.
Genome position (GRCh38, 1-based): chr15:67,165,307, C>A. VCF-style: chr15-67165307-C-A. GRCh37 (hg19) VCF-style: chr15-67457645-C-A.
Other names: p.P152Q:CCA>CAA; c.140C>A, p.Pro47Gln (NM_001145102.2); c.323C>A, p.Pro108Gln (NM_001145103.2); short protein forms P152Q, P108Q, P47Q.
Identifiers: ClinVar variation 213783 (VCV000213783.10), dbSNP rs375574124, ClinGen allele CA062258.

ClinVar aggregate classification (germline): Uncertain significance. Review status: criteria provided, multiple submitters, no conflicts (2 of 4 stars). 4 submissions from 4 submitters: Uncertain significance (3). 1 of the submissions does not count toward it. Last evaluated 2022-09-27.

Conditions:
Familial thoracic aortic aneurysm and aortic dissection (TAAD). Also called: Thoracic aortic aneurysms and dissections. Identifiers: Orphanet 91387, MedGen C4707243, MONDO:0019625.
Aneurysm-osteoarthritis syndrome. Also called: LOEYS-DIETZ SYNDROME WITH OSTEOARTHRITIS; SMAD3-Related Loeys-Dietz Syndrome; Loeys-Dietz syndrome, type 1C; ANEURYSMS-OSTEOARTHRITIS SYNDROME. Identifiers: Orphanet 284984, MedGen C3151087, MONDO:0013426, OMIM 613795.

Allele frequency attached by ClinVar (database versions not stated): gnomAD exomes below 0.00001; TOPMed below 0.00001; ExAC 0.00001; gnomAD 0.00001; ESP Exome Variant Server 0.00008.
gnomAD v4.1: 14 of 1,614,098 alleles (0.00087%); highest among the groups gnomAD compares: Non-Finnish European, 0.0011%; no homozygotes.

Submissions (4):

GeneDx
Classification: Uncertain significance. Last evaluated: 2022-09-27. Review status: criteria provided, single submitter. Criteria: GeneDx Variant Classification Process June 2021. Collection method: clinical testing. Allele origin: germline. Affected: yes.
Comment: Not observed at significant frequency in large population cohorts (gnomAD); In silico analysis supports that this missense variant does not alter protein structure/function; Has not been previously published as pathogenic or benign to our knowledge

Color Diagnostics, LLC DBA Color Health
Classification: Uncertain significance for Familial thoracic aortic aneurysm and aortic dissection. Last evaluated: 2018-12-11. Review status: criteria provided, single submitter. Criteria: ACMG Guidelines, 2015. Collection method: clinical testing. Allele origin: germline.
Comment: Variant of Uncertain Significance due to insufficient evidence: This missense variant is located in the linker region between MH1 DNA binding domain and MH2 protein-protein interaction domain of the SMAD3 protein. Computational prediction tools and conservation analyses are inconclusive regarding the impact of this variant on the protein function. Computational splicing tools suggest that this variant may not impact RNA splicing. To our knowledge, functional assays have not been performed for this variant nor has this variant been reported in individuals affected with cardiovascular disorders in the literature. This variant has been identified in 1/246232 chromosomes in the general population by the Genome Aggregation Database (gnomAD). Available evidence is insufficient to determine the pathogenicity of this variant conclusively.

Illumina Laboratory Services, Illumina
Classification: Uncertain significance for Aneurysm-osteoarthritis syndrome. Last evaluated: 2018-01-13. Review status: criteria provided, single submitter. Criteria: ICSL Variant Classification Criteria 13 December 2019. Collection method: clinical testing. Allele origin: germline.

Knight Diagnostic Laboratories, Oregon Health and Sciences University
Classification: Uncertain significance for Aneurysm-osteoarthritis syndrome. Last evaluated: 2015-08-13. Review status: no assertion criteria provided. Criteria: ACMG Guidelines, 2015. Collection method: clinical testing. Allele origin: germline. Affected: no. Study: CSER-NextGen. Not counted in ClinVar's aggregate classification.